The following is an entry in ClinVar:

NM_000321.3(RB1):c.1963T>C (p.Tyr655His)

Gene: RB1 (RB transcriptional corepressor 1; plus strand). Cytogenetic location: 13q14.2.
Variant type: single nucleotide variant.
Coding change: c.1963T>C on transcript NM_000321.3 (MANE Select); coding-DNA position 1963, T replaced by C.
Protein change: p.Tyr655His; replaces tyrosine 655 with histidine.
Molecular consequence: missense variant.
Genome position (GRCh38, 1-based): chr13:48,459,690, T>C. VCF-style: chr13-48459690-T-C. GRCh37 (hg19) VCF-style: chr13-49033826-T-C.
Other names: c.1963T>C, p.Tyr655His (NM_001407165.1); short protein forms Y655H.
Identifiers: ClinVar variation 2079909 (VCV002079909.6), dbSNP rs2138335795, ClinGen allele CA388166675.

ClinVar aggregate classification (germline): Uncertain significance. Review status: criteria provided, multiple submitters, no conflicts (2 of 4 stars). 3 submissions from 3 submitters: Uncertain significance (3). Last evaluated 2025-10-13.

Conditions:
Hereditary cancer-predisposing syndrome. Also called: Hereditary Cancer Syndrome; Tumor predisposition; Hereditary neoplastic syndrome; Neoplastic Syndromes, Hereditary. Identifiers: Orphanet 140162, MedGen C0027672, MeSH D009386, MONDO:0015356.
Retinoblastoma (RB1). Also called: RETINOBLASTOMA, SOMATIC. Identifiers: Orphanet 790, MedGen C0035335, MeSH D012175, MONDO:0008380, OMIM 180200, HP:0009919. Disease mechanism: loss of function. Inheritance: Both sporadic and heritable forms are tested..

Submissions (3):

Labcorp Genetics (formerly Invitae), Labcorp
Classification: Uncertain significance for Retinoblastoma. Last evaluated: 2025-10-13. Review status: criteria provided, single submitter. Criteria: Invitae Variant Classification Sherloc (09022015). Collection method: clinical testing. Allele origin: germline.
Comment: This sequence change replaces tyrosine, which is neutral and polar, with histidine, which is basic and polar, at codon 655 of the RB1 protein (p.Tyr655His). This variant is not present in population databases (gnomAD no frequency). This variant has not been reported in the literature in individuals affected with RB1-related conditions. ClinVar contains an entry for this variant (Variation ID: 2079909). An algorithm developed to predict the effect of missense changes on protein structure and function (PolyPhen-2) suggests that this variant is likely to be disruptive. In summary, the available evidence is currently insufficient to determine the role of this variant in disease. Therefore, it has been classified as a Variant of Uncertain Significance.

All of Us Research Program, National Institutes of Health
Classification: Uncertain significance for Retinoblastoma. Last evaluated: 2024-07-29. Review status: criteria provided, single submitter. Criteria: ACMG Guidelines, 2015. Collection method: clinical testing. Allele origin: germline. Inheritance: Autosomal dominant inheritance. Observed: 1 variant allele, 1 heterozygote.
Comment: This missense variant replaces tyrosine with histidine at codon 655 of the RB1 protein. Computational prediction suggests that this variant may have deleterious impact on protein structure and function. To our knowledge, functional studies have not been reported for this variant. This variant has not been reported in individuals affected with RB1-related disorders in the literature. This variant has not been identified in the general population by the Genome Aggregation Database (gnomAD). The available evidence is insufficient to determine the role of this variant in disease conclusively. Therefore, this variant is classified as a Variant of Uncertain Significance.

This study involves interpretation of variants in research participants for the purpose of population health screening. Participant phenotype was not available at the time of variant classification. Additional details can be found in publication PMID: 35346344, PMCID: PMC8962531

Ambry Genetics
Classification: Uncertain significance for Hereditary cancer-predisposing syndrome. Last evaluated: 2024-02-29. Review status: criteria provided, single submitter. Criteria: Ambry Variant Classification Scheme 2023. Collection method: clinical testing. Allele origin: germline.
Comment: The p.Y655H variant (also known as c.1963T>C), located in coding exon 20 of the RB1 gene, results from a T to C substitution at nucleotide position 1963. The tyrosine at codon 655 is replaced by histidine, an amino acid with similar properties. This amino acid position is conserved. In addition, this alteration is predicted to be deleterious by in silico analysis. Since supporting evidence is limited at this time, the clinical significance of this alteration remains unclear.